The following is an entry in ClinVar:

ClinVar aggregate classification (germline): Uncertain significance. Review status: criteria provided, multiple submitters, no conflicts (2 of 4 stars). 2 submissions from 2 submitters: Uncertain significance (2). Last evaluated 2023-12-20.

Allele frequency attached by ClinVar (database versions not stated): gnomAD exomes 0.00009; ExAC 0.00011; 1000 Genomes Project 30x 0.00016; 1000 Genomes Project 0.00020; gnomAD 0.00028 and 0.00032; TOPMed 0.00029; ESP Exome Variant Server 0.00077.
gnomAD v4.1: 95 of 1,613,382 alleles (0.0059%); highest among the groups gnomAD compares: African/African-American, 0.11%; no homozygotes.

Submissions (2):

GeneDx
Classification: Uncertain significance. Last evaluated: 2023-12-20. Review status: criteria provided, single submitter. Criteria: GeneDx Variant Classification Process June 2021. Collection method: clinical testing. Allele origin: germline. Affected: yes.
Comment: In silico analysis supports that this missense variant does not alter protein structure/function; Has not been previously published as pathogenic or benign to our knowledge

Labcorp Genetics (formerly Invitae), Labcorp
Classification: Uncertain significance. Last evaluated: 2023-12-07. Review status: criteria provided, single submitter. Criteria: Invitae Variant Classification Sherloc (09022015). Collection method: clinical testing. Allele origin: germline.
Comment: This sequence change replaces valine, which is neutral and non-polar, with methionine, which is neutral and non-polar, at codon 187 of the LAMC3 protein (p.Val187Met). This variant is present in population databases (rs144206115, gnomAD 0.1%). This variant has not been reported in the literature in individuals affected with LAMC3-related conditions. ClinVar contains an entry for this variant (Variation ID: 1398330). An algorithm developed to predict the effect of missense changes on protein structure and function (PolyPhen-2) suggests that this variant is likely to be disruptive. In summary, the available evidence is currently insufficient to determine the role of this variant in disease. Therefore, it has been classified as a Variant of Uncertain Significance.

NM_006059.4(LAMC3):c.559G>A (p.Val187Met)

Gene: LAMC3 (laminin subunit gamma 3; plus strand). Cytogenetic location: 9q34.12.
Variant type: single nucleotide variant.
Coding change: c.559G>A on transcript NM_006059.4 (MANE Select); coding-DNA position 559, G replaced by A.
Protein change: p.Val187Met; replaces valine 187 with methionine.
Molecular consequence: missense variant.
Genome position (GRCh38, 1-based): chr9:131,026,470, G>A. VCF-style: chr9-131026470-G-A. GRCh37 (hg19) VCF-style: chr9-133901857-G-A.
Other names: c.559G>A (NM_006059.3); short protein forms V187M.
Identifiers: ClinVar variation 1398330 (VCV001398330.5), dbSNP rs144206115, ClinGen allele CA5286733.
Genomic context (GRCh38, chr9:131,026,470, plus strand): 5'-TGCCAGAAGACCTACGGCCGGCCCGAGGGCCAGTACCTGCGCCCCGGCGAGGACGAGCGC[G>A]TGGCCTTCTGCACCTCTGAGTTCAGCGACATCTCCCCGCTGAGTGGCGGCAACGTGGCCT-3'
Protein context (NP_006050.3, residues 177-197): QYLRPGEDER[Val187Met]AFCTSEFSDI